The following is an entry in ClinVar:

NM_001267550.2(TTN):c.19949A>G (p.Asn6650Ser)

Genes: TTN (titin; minus strand), LOC126806429 (BRD4-independent group 4 enhancer GRCh37_chr2:179591393-179592592; plus strand). Cytogenetic location: 2q31.2.
Variant type: single nucleotide variant.
Coding change: c.19949A>G on transcript NM_001267550.2 (MANE Select); coding-DNA position 19949, A replaced by G.
Protein change: p.Asn6650Ser; replaces asparagine 6650 with serine.
Molecular consequence: missense variant. On other transcripts: intron variant (3).
Genome position (GRCh38, 1-based): chr2:178,727,629, T>C on the plus strand (A>G on the coding strand, the complement: TTN is on the minus strand). VCF-style: chr2-178727629-T-C. GRCh37 (hg19) VCF-style: chr2-179592356-T-C.
Other names: c.18998A>G, p.Asn6333Ser (NM_001256850.1); c.16217A>G, p.Asn5406Ser (NM_133378.4); c.13282+10453A>G (NM_003319.4); c.13858+10453A>G (NM_133437.4); c.13657+10453A>G (NM_133432.3); c.19949A>G (NM_001267550.1); short protein forms N6650S, N5406S, N6333S.
Identifiers: ClinVar variation 535545 (VCV000535545.11), dbSNP rs751222632, ClinGen allele CA2001303.

ClinVar aggregate classification (germline): Conflicting classifications of pathogenicity. Review status: criteria provided, conflicting classifications (1 of 4 stars). 7 submissions from 7 submitters: Uncertain significance (4); Likely benign (3). Last evaluated 2026-03-27.

Conditions:
Dilated cardiomyopathy 1G (CMD1G). Identifiers: Orphanet 154, MedGen C1858763, MONDO:0011400, OMIM 604145.
Myopathy, myofibrillar, 9, with early respiratory failure (MFM9). Also called: Hereditary myopathy with early respiratory failure; MYOPATHY, PROXIMAL, WITH EARLY RESPIRATORY MUSCLE INVOLVEMENT; Myopathy, distal, with early respiratory failure, autosomal dominant; EDSTROM MYOPATHY. Identifiers: Orphanet 178464, Orphanet 34521, MedGen C1863599, MONDO:0011362, OMIM 603689.
Early-onset myopathy with fatal cardiomyopathy (CMYO5). Also called: CONGENITAL MYOPATHY 5 WITH CARDIOMYOPATHY; Salih Myopathy. Identifiers: Orphanet 289377, MedGen C2673677, MONDO:0012714, OMIM 611705. Disease mechanism: loss of function.
Autosomal recessive limb-girdle muscular dystrophy type 2J (LGMDR10). Also called: Limb-girdle muscular dystrophy, type 2J; MUSCULAR DYSTROPHY, LIMB-GIRDLE, AUTOSOMAL RECESSIVE 10. Identifiers: Orphanet 140922, MedGen C1837342, MONDO:0012127, OMIM 608807.
Tibial muscular dystrophy (TMD). Also called: UDD MYOPATHY; Udd Distal Myopathy – Tibial Muscular Dystrophy; Tibial muscular dystrophy, tardive. Identifiers: Orphanet 609, MedGen C1838244, MONDO:0010870, OMIM 600334.
Hypertrophic cardiomyopathy 9. Also called: Familial hypertrophic cardiomyopathy 9. Identifiers: MedGen C1861065, MONDO:0013412, OMIM 613765.
Cardiomyopathy (CMYO). Also called: Cardiomyopathies. Identifiers: Orphanet 167848, MedGen C0878544, MONDO:0004994, HP:0001638. Inheritance: Various modes of inheritance.

Allele frequency attached by ClinVar (database versions not stated): gnomAD 0.00001.
gnomAD v4.1: 5 of 1,599,526 alleles (0.00031%); highest among the groups gnomAD compares: African/African-American, 0.0013%; no homozygotes.

Submissions (7):

Molecular Diagnostic Laboratory for Inherited Cardiovascular Disease, Montreal Heart Institute
Classification: Likely benign. Last evaluated: 2026-03-27. Review status: criteria provided, single submitter. Criteria: ACMG Guidelines, 2015. Collection method: clinical testing. Allele origin: germline. Affected: no.
Comment: BP1

GeneDx
Classification: Uncertain significance. Last evaluated: 2025-04-22. Review status: criteria provided, single submitter. Criteria: GeneDx Variant Classification Process June 2021. Collection method: clinical testing. Allele origin: germline. Affected: yes.
Comment: Not observed at significant frequency in large population cohorts (gnomAD); Missense variant in a gene in which most reported pathogenic variants are truncating/loss of function; Has not been previously published as pathogenic or benign to our knowledge

Revvity Omics, Revvity
Classification: Uncertain significance. Last evaluated: 2024-02-05. Review status: criteria provided, single submitter. Criteria: ACMG Guidelines, 2015. Collection method: clinical testing. Allele origin: germline.

CHEO Genetics Diagnostic Laboratory, Children's Hospital of Eastern Ontario
Classification: Likely benign for Cardiomyopathy. Last evaluated: 2023-03-15. Review status: criteria provided, single submitter. Criteria: ACMG Guidelines, 2015. Collection method: clinical testing. Allele origin: germline.

Blueprint Genetics
Classification: Likely benign. Last evaluated: 2021-11-11. Review status: criteria provided, single submitter. Criteria: ACMG Guidelines, 2015. Collection method: clinical testing. Allele origin: germline.

Department of Pathology and Laboratory Medicine, Sinai Health System
Classification: Uncertain significance for Tibial muscular dystrophy; Myopathy, myofibrillar, 9, with early respiratory failure; Dilated cardiomyopathy 1G; Autosomal recessive limb-girdle muscular dystrophy type 2J; Early-onset myopathy with fatal cardiomyopathy; Hypertrophic cardiomyopathy 9. Last evaluated: 2021-07-30. Review status: criteria provided, single submitter. Criteria: ACMG Guidelines, 2015. Collection method: research. Allele origin: germline.

Labcorp Genetics (formerly Invitae), Labcorp
Classification: Uncertain significance for Dilated cardiomyopathy 1G; Autosomal recessive limb-girdle muscular dystrophy type 2J. Last evaluated: 2017-11-10. Review status: criteria provided, single submitter. Criteria: Invitae Variant Classification Sherloc (09022015). Collection method: clinical testing. Allele origin: germline.